The following is an entry in ClinVar:

ClinVar aggregate classification (germline): Uncertain significance (1 of 4 stars; one submission).

Submission:

Dasa
Classification: Uncertain significance. Last evaluated: 2024-12-03. Review status: criteria provided, single submitter. Criteria: DASA Assertion Criteria. Collection method: clinical testing. Allele origin: germline.
Comment: NM_016284.5(CNOT1):c.4253C>T (p.Thr1418Ile) is a missense variant that results in the substitution of threonine with isoleucine. This variant is absent from population databases. The currently available literature and clinical evidence are not sufficient to establish a definitive association between this variant and the reported condition. Therefore, this variant is classified as a variant of uncertain significance.

NM_016284.5(CNOT1):c.4253C>T (p.Thr1418Ile)

Gene: CNOT1 (CCR4-NOT transcription complex subunit 1; minus strand). Cytogenetic location: 16q21.
Variant type: single nucleotide variant.
Coding change: c.4253C>T on transcript NM_016284.5 (MANE Select); coding-DNA position 4253, C replaced by T.
Protein change: p.Thr1418Ile; replaces threonine 1418 with isoleucine.
Molecular consequence: missense variant. On other transcripts: non-coding transcript variant (1).
Genome position (GRCh38, 1-based): chr16:58,543,788, G>A on the plus strand (C>T on the coding strand, the complement: CNOT1 is on the minus strand). VCF-style: chr16-58543788-G-A. GRCh37 (hg19) VCF-style: chr16-58577692-G-A.
Other names: c.4238C>T, p.Thr1413Ile (NM_001265612.2); c.4253C>T, p.Thr1418Ile (NM_206999.3); short protein forms T1413I, T1418I.
Identifiers: ClinVar variation 5021037 (VCV005021037.1).